The following is an entry in ClinVar:

ClinVar aggregate classification (germline): Uncertain significance. Review status: criteria provided, multiple submitters, no conflicts (2 of 4 stars). 2 submissions from 2 submitters: Uncertain significance (2). Last evaluated 2024-06-21.

Conditions:
Cardiovascular phenotype. Identifiers: MedGen CN230736.

Allele frequency attached by ClinVar (database versions not stated): gnomAD exomes below 0.00001; gnomAD 0.00001; TOPMed 0.00001.
gnomAD v4.1: 3 of 1,612,572 alleles (0.00019%); highest among the groups gnomAD compares: African/African-American, 0.0013%; no homozygotes.

Submissions (2):

GeneDx
Classification: Uncertain significance. Last evaluated: 2024-06-21. Review status: criteria provided, single submitter. Criteria: GeneDx Variant Classification Process June 2021. Collection method: clinical testing. Allele origin: germline. Affected: yes.
Comment: Not observed at significant frequency in large population cohorts (gnomAD); In silico analysis supports that this missense variant has a deleterious effect on protein structure/function; Has not been previously published as pathogenic or benign to our knowledge

Ambry Genetics
Classification: Uncertain significance for Cardiovascular phenotype. Last evaluated: 2023-10-27. Review status: criteria provided, single submitter. Criteria: Ambry Variant Classification Scheme 2023. Collection method: clinical testing. Allele origin: germline.

NM_001365276.2(TNXB):c.7244G>A (p.Gly2415Glu)

Gene: TNXB (tenascin XB; minus strand). Cytogenetic location: 6p21.33.
Variant type: single nucleotide variant.
Coding change: c.7244G>A on transcript NM_001365276.2 (MANE Select); coding-DNA position 7244, G replaced by A.
Protein change: p.Gly2415Glu; replaces glycine 2415 with glutamic acid.
Molecular consequence: missense variant.
Genome position (GRCh38, 1-based): chr6:32,061,645, C>T on the plus strand (G>A on the coding strand, the complement: TNXB is on the minus strand). VCF-style: chr6-32061645-C-T. GRCh37 (hg19) VCF-style: chr6-32029422-C-T.
Other names: c.7985G>A, p.Gly2662Glu (NM_001428335.1); c.7244G>A, p.Gly2415Glu (NM_019105.8); short protein forms G2415E, G2662E.
Identifiers: ClinVar variation 3180929 (VCV003180929.2), dbSNP rs1778022001, ClinGen allele CA363553186.